The following is an entry in ClinVar:

NM_020461.4(TUBGCP6):c.218T>G (p.Leu73Trp)

Gene: TUBGCP6 (tubulin gamma complex component 6; minus strand). Cytogenetic location: 22q13.33.
Variant type: single nucleotide variant.
Coding change: c.218T>G on transcript NM_020461.4 (MANE Select); coding-DNA position 218, T replaced by G.
Protein change: p.Leu73Trp; replaces leucine 73 with tryptophan.
Molecular consequence: missense variant.
Genome position (GRCh38, 1-based): chr22:50,244,242, A>C on the plus strand (T>G on the coding strand, the complement: TUBGCP6 is on the minus strand). VCF-style: chr22-50244242-A-C. GRCh37 (hg19) VCF-style: chr22-50682671-A-C.
Other names: short protein forms L73W.
Identifiers: ClinVar variation 1363223 (VCV001363223.8), dbSNP rs2147222591, ClinGen allele CA412116594.
Genomic context (GRCh38, chr22:50,244,242, plus strand): 5'-ACAAGCTCCTCCAAACGGTCGGCCTTGGGGCCCAGGCCACCCACTCTCAAGTCAAAGGAC[A>C]ACATGAGGATCTTGTTTCTCGCTGGTAGTTTTGACATGTCAGGCTGCAGCTGTTGAGTCT-3'
Protein context (NP_065194.3, residues 63-83): KLPARNKILM[Leu73Trp]SFDLRVGGLG

ClinVar aggregate classification (germline): Uncertain significance (1 of 4 stars; one submission).

Submission:

Labcorp Genetics (formerly Invitae), Labcorp
Classification: Uncertain significance. Last evaluated: 2022-10-13. Review status: criteria provided, single submitter. Criteria: Invitae Variant Classification Sherloc (09022015). Collection method: clinical testing. Allele origin: germline.
Comment: This sequence change replaces leucine, which is neutral and non-polar, with tryptophan, which is neutral and slightly polar, at codon 73 of the TUBGCP6 protein (p.Leu73Trp). This variant is not present in population databases (gnomAD no frequency). In summary, the available evidence is currently insufficient to determine the role of this variant in disease. Therefore, it has been classified as a Variant of Uncertain Significance. Algorithms developed to predict the effect of missense changes on protein structure and function are either unavailable or do not agree on the potential impact of this missense change (SIFT: "Deleterious"; PolyPhen-2: "Probably Damaging"; Align-GVGD: "Class C0"). ClinVar contains an entry for this variant (Variation ID: 1363223). This variant has not been reported in the literature in individuals affected with TUBGCP6-related conditions.